The following is an entry in ClinVar:

ClinVar aggregate classification (germline): Likely pathogenic (1 of 4 stars; one submission).

Conditions:
Peroxisome biogenesis disorder. Identifiers: Orphanet 79189, MedGen C1832200, MONDO:0019234. Disease mechanism: loss of function.

Submission:

Myriad Genetics, Inc.
Classification: Likely pathogenic for Peroxisome biogenesis disorder. Last evaluated: 2022-02-20. Review status: criteria provided, single submitter. Criteria: Myriad Autosomal Dominant, Autosomal Recessive and X-Linked Classification Criteria (2023). Collection method: clinical testing. Allele origin: unknown.
Comment: NM_000466.2(PEX1):c.2353_2355delACAinsT(T785Cfs*48) is expected to be pathogenic in the context of peroxisome biogenesis disorder type 1. This variant is predicted to lead to an abnormal or absent protein product due to the creation of a premature termination codon in PEX1, a gene where loss-of-function variants are known to be pathogenic. Please note: this variant was assessed in the context of healthy population screening.

NM_000466.3(PEX1):c.2353_2355delinsT (p.Thr785fs)

Gene: PEX1 (peroxisomal biogenesis factor 1; minus strand). Cytogenetic location: 7q21.2.
Variant type: Indel.
Coding change: c.2353_2355delinsT on transcript NM_000466.3 (MANE Select); coding-DNA positions 2353 to 2355, ACA replaced by T.
Protein change: p.Thr785fs; shifts the reading frame from threonine 785.
Molecular consequence: frameshift variant.
Genome position (GRCh38, 1-based): chr7:92,501,951-92,501,953, TGT replaced by A on the plus strand (ACA replaced by T on the coding strand, the reverse complement: PEX1 is on the minus strand). VCF-style: chr7-92501951-TGT-A. GRCh37 (hg19) VCF-style: chr7-92131265-TGT-A.
Other names: c.2182_2184delinsT, p.Thr728fs (NM_001282677.2); c.1729_1731delinsT, p.Thr577fs (NM_001282678.2); short protein forms T577fs, T728fs, T785fs.
Identifiers: ClinVar variation 1724598 (VCV001724598.3), dbSNP rs2484661619, ClinGen allele CA2580077842.